The following is an entry in ClinVar:

ClinVar aggregate classification (germline): Uncertain significance. Review status: criteria provided, single submitter (1 of 4 stars). 2 submissions from 2 submitters: Uncertain significance (1). 1 of the submissions does not count toward it.

Conditions:
Usher syndrome type 1D (USH1D). Also called: USHER SYNDROME, TYPE ID. Identifiers: Orphanet 231169, Orphanet 886, MedGen C1832845, MONDO:0010984, OMIM 601067.
Usher syndrome type 1F (USH1F). Also called: USHER SYNDROME, TYPE IF. Identifiers: Orphanet 231169, Orphanet 886, MedGen C1865885, MONDO:0011186, OMIM 602083.
Autosomal recessive nonsyndromic hearing loss 23. Identifiers: Orphanet 90636, MedGen C1836027, MONDO:0012293, OMIM 609533.

Submissions (2):

Juno Genomics, Hangzhou Juno Genomics, Inc
Classification: Uncertain significance for Autosomal recessive nonsyndromic hearing loss 23; Usher syndrome type 1D; Usher syndrome type 1F. Review status: criteria provided, single submitter. Criteria: ACMG Guidelines, 2015. Collection method: clinical testing. Allele origin: germline.
Comment: Null variant in a gene where loss of function (LOF) is a known mechanism of disease.;Absent from controls (or at extremely low frequency if recessive) in Genome Aggregation Database.

Counsyl
Classification: Uncertain significance for Usher syndrome type 1F. Last evaluated: 2017-05-10. Review status: no assertion criteria provided. Collection method: clinical testing. Allele origin: unknown. Not counted in ClinVar's aggregate classification.

NM_001384140.1(PCDH15):c.4828_4835del (p.Ser1610fs)

Gene: PCDH15 (protocadherin related 15; minus strand). Cytogenetic location: 10q21.1.
Variant type: Deletion.
Coding change: c.4828_4835del on transcript NM_001384140.1 (MANE Select); coding-DNA positions 4828 to 4835, 8 bases deleted (TCTGTGGT; older notation c.4828_4835delTCTGTGGT).
Protein change: p.Ser1610fs; shifts the reading frame from serine 1610.
Molecular consequence: frameshift variant.
Genome position (GRCh38, 1-based): chr10:53,806,967-53,806,974, ACCACAGA deleted on the plus strand (TCTGTGGT on the coding strand, the reverse complement: PCDH15 is on the minus strand); deleting any 8 consecutive bases within chr10:53,806,967-53,806,978 gives the same sequence; the c. name uses the placement nearest the transcript's 3' end. VCF-style (leftmost placement, unchanged base first): chr10-53806966-CACCACAGA-C. GRCh37 (hg19) VCF-style: chr10-55566726-CACCACAGA-C.
Other names: c.4654_4661del, p.Ser1552fs (NM_001142771.2); c.4639_4646del, p.Ser1547fs (NM_001142772.2); c.4633_4640del, p.Ser1545fs (NM_001354420.2); c.4762_4769del, p.Ser1588fs (NM_001354429.2); short protein forms S1552fs, S1545fs, S1588fs, S1547fs, S1610fs.
Identifiers: ClinVar variation 549873 (VCV000549873.4), dbSNP rs750833316, ClinGen allele CA5504595.